The following is an entry in ClinVar:

ClinVar aggregate classification (germline): Conflicting classifications of pathogenicity. Review status: criteria provided, conflicting classifications (1 of 4 stars). 2 submissions from 2 submitters: Uncertain significance (1); Likely benign (1). Last evaluated 2025-05-07.

Conditions:
Hereditary cancer-predisposing syndrome. Also called: Hereditary Cancer Syndrome; Hereditary neoplastic syndrome; Neoplastic Syndromes, Hereditary; Tumor predisposition. Identifiers: Orphanet 140162, MedGen C0027672, MeSH D009386, MONDO:0015356.
Hereditary breast ovarian cancer syndrome. Also called: Hereditary breast and ovarian cancer; Breast and ovarian cancer; Hereditary breast and ovarian cancer syndrome; Hereditary breast and/or ovarian cancer syndrome; BRCA1- and BRCA2-Associated Hereditary Breast and Ovarian Cancer; Hereditary breast and ovarian cancer syndrome (HBOC). Identifiers: Orphanet 145, MedGen C0677776, MeSH D061325, MONDO:0003582. Disease mechanism: loss of function.

Submissions (2):

Labcorp Genetics (formerly Invitae), Labcorp
Classification: Uncertain significance for Hereditary breast ovarian cancer syndrome. Last evaluated: 2025-05-07. Review status: criteria provided, single submitter. Criteria: Invitae Variant Classification Sherloc (09022015). Collection method: clinical testing. Allele origin: germline.
Comment: This sequence change replaces histidine, which is basic and polar, with tyrosine, which is neutral and polar, at codon 2440 of the BRCA2 protein (p.His2440Tyr). This variant is not present in population databases (gnomAD no frequency). This variant has not been reported in the literature in individuals affected with BRCA2-related conditions. ClinVar contains an entry for this variant (Variation ID: 441340). Invitae Evidence Modeling of protein sequence and biophysical properties (such as structural, functional, and spatial information, amino acid conservation, physicochemical variation, residue mobility, and thermodynamic stability) indicates that this missense variant is not expected to disrupt BRCA2 protein function with a negative predictive value of 95%. In summary, the available evidence is currently insufficient to determine the role of this variant in disease. Therefore, it has been classified as a Variant of Uncertain Significance.

Ambry Genetics
Classification: Likely benign for Hereditary cancer-predisposing syndrome. Last evaluated: 2025-05-06. Review status: criteria provided, single submitter. Criteria: Ambry Variant Classification Scheme 2023. Collection method: clinical testing. Allele origin: germline.

NM_000059.4(BRCA2):c.7318C>T (p.His2440Tyr)

Gene: BRCA2 (BRCA2 DNA repair associated; plus strand). Cytogenetic location: 13q13.1.
Variant type: single nucleotide variant.
Coding change: c.7318C>T on transcript NM_000059.4 (MANE Select); coding-DNA position 7318, C replaced by T.
Protein change: p.His2440Tyr; replaces histidine 2440 with tyrosine.
Molecular consequence: missense variant.
Genome position (GRCh38, 1-based): chr13:32,355,171, C>T. VCF-style: chr13-32355171-C-T. GRCh37 (hg19) VCF-style: chr13-32929308-C-T.
Other names: short protein forms H2440Y.
Identifiers: ClinVar variation 441340 (VCV000441340.15), dbSNP rs1555286077, ClinGen allele CA387741076.